The following is an entry in ClinVar:

ClinVar aggregate classification (germline): Uncertain significance (1 of 4 stars; one submission).

Conditions:
Hereditary cancer-predisposing syndrome. Also called: Tumor predisposition; Hereditary neoplastic syndrome; Neoplastic Syndromes, Hereditary; Hereditary Cancer Syndrome. Identifiers: Orphanet 140162, MedGen C0027672, MeSH D009386, MONDO:0015356.

gnomAD v4.1: 8 of 1,614,158 alleles (0.0005%); highest among the groups gnomAD compares: Non-Finnish European, 0.00068%; no homozygotes.

Submission:

Ambry Genetics
Classification: Uncertain significance for Hereditary cancer-predisposing syndrome. Last evaluated: 2025-03-18. Review status: criteria provided, single submitter. Criteria: Ambry Variant Classification Scheme 2023. Collection method: clinical testing. Allele origin: germline.
Comment: The p.K879R variant (also known as c.2636A>G), located in coding exon 22 of the EGFR gene, results from an A to G substitution at nucleotide position 2636. The lysine at codon 879 is replaced by arginine, an amino acid with highly similar properties. This amino acid position is highly conserved in available vertebrate species. In addition, the in silico prediction for this alteration is inconclusive. Based on the available evidence, the clinical significance of this variant remains unclear.

NM_005228.5(EGFR):c.2636A>G (p.Lys879Arg)

Gene: EGFR (epidermal growth factor receptor; plus strand). Cytogenetic location: 7p11.2.
Variant type: single nucleotide variant.
Coding change: c.2636A>G on transcript NM_005228.5 (MANE Select); coding-DNA position 2636, A replaced by G.
Protein change: p.Lys879Arg; replaces lysine 879 with arginine.
Molecular consequence: missense variant.
Genome position (GRCh38, 1-based): chr7:55,192,776, A>G. VCF-style: chr7-55192776-A-G. GRCh37 (hg19) VCF-style: chr7-55260469-A-G.
Other names: c.2477A>G, p.Lys826Arg (NM_001346900.2); c.1835A>G, p.Lys612Arg (NM_001346941.2); c.2501A>G, p.Lys834Arg (NM_001346897.2, NM_001346899.2); c.2636A>G, p.Lys879Arg (NM_001346898.2); short protein forms K612R, K834R, K826R, K879R.
Identifiers: ClinVar variation 4016683 (VCV004016683.1).